The following is an entry in ClinVar:

NM_003482.4(KMT2D):c.2130A>G (p.Pro710=)

Gene: KMT2D (lysine methyltransferase 2D; minus strand). Cytogenetic location: 12q13.12.
Variant type: single nucleotide variant.
Coding change: c.2130A>G on transcript NM_003482.4 (MANE Select); coding-DNA position 2130, A replaced by G.
Protein change: p.Pro710=; no amino-acid change (proline 710 retained).
Molecular consequence: synonymous variant.
Genome position (GRCh38, 1-based): chr12:49,051,553, T>C on the plus strand (A>G on the coding strand, the complement: KMT2D is on the minus strand). VCF-style: chr12-49051553-T-C. GRCh37 (hg19) VCF-style: chr12-49445336-T-C.
Identifiers: ClinVar variation 2166569 (VCV002166569.5), dbSNP rs534199254, ClinGen allele CA6548337.
Genomic context (GRCh38, chr12:49,051,553, plus strand): 5'-CTCAGGTAGTGGCAACAGGGGTGACTCCTCCAGCGGCAGGGACATGAGCGAGTCCTCCGG[T>C]GGTGGGGAAGCAGGTGAGTCCTCAGGTGGTGGGGATGTGGGGGAGTCCTCAGGTGGTGGG-3'
Protein context (NP_003473.3, residues 700-720): PPPEDSPASP[Pro710=]PEDSLMSLPL

ClinVar aggregate classification (germline): Likely benign. Review status: criteria provided, multiple submitters, no conflicts (2 of 4 stars). 2 submissions from 2 submitters: Likely benign (2). Last evaluated 2025-05-20.

Conditions:
Kabuki syndrome. Also called: NIIKAWA-KUROKI SYNDROME; Kabuki make-up syndrome. Identifiers: Orphanet 2322, MedGen C0796004, MONDO:0016512.
KMT2D-related disorder. Also called: KMT2D-Related Disorders.

Allele frequency attached by ClinVar (database versions not stated): ExAC 0.00001; gnomAD 0.00004; TOPMed 0.00008; 1000 Genomes Project 30x 0.00016; 1000 Genomes Project 0.00020; gnomAD exomes below 0.00001.
gnomAD v4.1: 13 of 1,608,806 alleles (0.00081%); highest among the groups gnomAD compares: African/African-American, 0.015%; no homozygotes.

Submissions (2):

PreventionGenetics, part of Exact Sciences
Classification: Likely benign for KMT2D-related condition. Last evaluated: 2025-05-20. Review status: criteria provided, single submitter. Criteria: ACMG Guidelines, 2015. Collection method: clinical testing. Allele origin: germline.
Comment: This variant is classified as likely benign based on ACMG/AMP sequence variant interpretation guidelines (Richards et al. 2015 PMID: 25741868, with internal and published modifications).

Labcorp Genetics (formerly Invitae), Labcorp
Classification: Likely benign for Kabuki syndrome. Last evaluated: 2024-08-13. Review status: criteria provided, single submitter. Criteria: Invitae Variant Classification Sherloc (09022015). Collection method: clinical testing. Allele origin: germline.